The following is an entry in ClinVar:

NM_174916.3(UBR1):c.515_528+17del

Gene: UBR1 (ubiquitin protein ligase E3 component n-recognin 1; minus strand). Cytogenetic location: 15q15.2.
Variant type: Deletion.
Coding change: c.515_528+17del on transcript NM_174916.3 (MANE Select); coding-DNA position 515 through 17 bases into the intron after coding-DNA position 528, 31 bases deleted.
Molecular consequence: splice donor variant.
Genome position (GRCh38, 1-based): chr15:43,074,962-43,074,992, 31 bases deleted; deleting any 31 consecutive bases within chr15:43,074,962-43,074,993 gives the same sequence; the c. name uses the placement nearest the transcript's 3' end. GRCh37 (hg19): chr15:43,367,161-43,367,191.
Identifiers: ClinVar variation 4713198 (VCV004713198.1).

ClinVar aggregate classification (germline): Likely pathogenic (1 of 4 stars; one submission).

Submission:

Labcorp Genetics (formerly Invitae), Labcorp
Classification: Likely pathogenic. Last evaluated: 2025-07-31. Review status: criteria provided, single submitter. Criteria: Invitae Variant Classification Sherloc (09022015). Collection method: clinical testing. Allele origin: germline.
Comment: This variant results in the deletion of part of exon 4 (c.515_528+17del) of the UBR1 gene. It is expected to disrupt RNA splicing. Variants that disrupt the donor or acceptor splice site typically lead to a loss of protein function (PMID: 16199547), and loss-of-function variants in UBR1 are known to be pathogenic (PMID: 24599544). This variant is not present in population databases (gnomAD no frequency). This variant has not been reported in the literature in individuals affected with UBR1-related conditions. In summary, the currently available evidence indicates that the variant is pathogenic, but additional data are needed to prove that conclusively. Therefore, this variant has been classified as Likely Pathogenic.

Literature cited by the submitters: PubMed 16199547; PubMed 24599544.